The following is an entry in ClinVar:

ClinVar aggregate classification (germline): Uncertain significance. Review status: criteria provided, multiple submitters, no conflicts (2 of 4 stars). 2 submissions from 2 submitters: Uncertain significance (2). Last evaluated 2025-01-07.

Conditions:
Deafness, congenital heart defects, and posterior embryotoxon (DCHE). Identifiers: MedGen C1866053, MONDO:0060713, OMIM 617992.
Alagille syndrome due to a JAG1 point mutation. Also called: HEPATIC DUCTULAR HYPOPLASIA, SYNDROMATIC; Alagille Syndrome 1; JAG1-Related Alagille Syndrome. Identifiers: Orphanet 261619, Orphanet 52, MedGen C1956125, MONDO:0016862, OMIM 118450.
Tetralogy of Fallot (TOF). Identifiers: Orphanet 3303, MedGen C0039685, MONDO:0008542, OMIM 187500, HP:0001636.
Charcot-Marie-Tooth disease, axonal, Type 2HH. Also called: CHARCOT-MARIE-TOOTH NEUROPATHY, TYPE 2HH. Identifiers: MedGen C5562003, MONDO:0030458, OMIM 619574.
JAG1-related disorder. Also called: JAG1-related disorders; JAG1-related condition.

Submissions (2):

PreventionGenetics, part of Exact Sciences
Classification: Uncertain significance for JAG1-related condition. Last evaluated: 2025-01-07. Review status: criteria provided, single submitter. Criteria: ACMG Guidelines, 2015. Collection method: clinical testing. Allele origin: germline.
Comment: The JAG1 c.199A>T variant is predicted to result in the amino acid substitution p.Thr67Ser. To our knowledge, this variant has not been reported in the literature or in a large population database (gnomAD), indicating this variant is rare. At this time, the clinical significance of this variant is uncertain due to the absence of conclusive functional and genetic evidence.

Juno Genomics, Hangzhou Juno Genomics, Inc
Classification: Uncertain significance for Tetralogy of Fallot; Deafness, congenital heart defects, and posterior embryotoxon; Alagille syndrome due to a JAG1 point mutation; Charcot-Marie-Tooth disease, axonal, Type 2HH. Review status: criteria provided, single submitter. Criteria: ACMG Guidelines, 2015. Collection method: clinical testing. Allele origin: germline.
Comment: Absent from controls (or at extremely low frequency if recessive) in Genome Aggregation Database.;Missense variant in a gene that has a low rate of benign missense variation.

NM_000214.3(JAG1):c.199A>T (p.Thr67Ser)

Gene: JAG1 (jagged canonical Notch ligand 1; minus strand). Cytogenetic location: 20p12.2.
Variant type: single nucleotide variant.
Coding change: c.199A>T on transcript NM_000214.3 (MANE Select); coding-DNA position 199, A replaced by T.
Protein change: p.Thr67Ser; replaces threonine 67 with serine.
Molecular consequence: missense variant.
Genome position (GRCh38, 1-based): chr20:10,672,889, T>A on the plus strand (A>T on the coding strand, the complement: JAG1 is on the minus strand). VCF-style: chr20-10672889-T-A. GRCh37 (hg19) VCF-style: chr20-10653537-T-A.
Other names: short protein forms T67S.
Identifiers: ClinVar variation 4988216 (VCV004988216.2).